The following is an entry in ClinVar:

NM_057176.3(BSND):c.737C>T (p.Ala246Val)

Gene: BSND (barttin CLCNK type accessory subunit beta; plus strand). Cytogenetic location: 1p32.3.
Variant type: single nucleotide variant.
Coding change: c.737C>T on transcript NM_057176.3 (MANE Select); coding-DNA position 737, C replaced by T.
Protein change: p.Ala246Val; replaces alanine 246 with valine.
Molecular consequence: missense variant.
Genome position (GRCh38, 1-based): chr1:55,008,402, C>T. VCF-style: chr1-55008402-C-T. GRCh37 (hg19) VCF-style: chr1-55474075-C-T.
Other names: c.737C>T (NM_057176.2); short protein forms A246V.
Identifiers: ClinVar variation 1416603 (VCV001416603.5), dbSNP rs926142735, ClinGen allele CA22769706.

ClinVar aggregate classification (germline): Uncertain significance. Review status: criteria provided, multiple submitters, no conflicts (2 of 4 stars). 3 submissions from 3 submitters: Uncertain significance (3). Last evaluated 2025-08-04.

Conditions:
Inborn genetic diseases. Identifiers: MedGen C0950123, MeSH D030342.
Bartter disease type 4A. Also called: BARTTER SYNDROME, TYPE 4A, NEONATAL, WITH SENSORINEURAL DEAFNESS; BARTTER SYNDROME, NEONATAL, WITH SENSORINEURAL DEAFNESS. Identifiers: Orphanet 112, MedGen C1865270, MONDO:0011242, OMIM 602522.

Allele frequency attached by ClinVar (database versions not stated): gnomAD exomes below 0.00001; gnomAD 0.00001; TOPMed 0.00002.

Submissions (3):

Ambry Genetics
Classification: Uncertain significance for Inborn genetic diseases. Last evaluated: 2025-08-04. Review status: criteria provided, single submitter. Criteria: Ambry Variant Classification Scheme 2023. Collection method: clinical testing. Allele origin: germline.

Labcorp Genetics (formerly Invitae), Labcorp
Classification: Uncertain significance. Last evaluated: 2022-08-09. Review status: criteria provided, single submitter. Criteria: Invitae Variant Classification Sherloc (09022015). Collection method: clinical testing. Allele origin: germline.
Comment: This sequence change replaces alanine, which is neutral and non-polar, with valine, which is neutral and non-polar, at codon 246 of the BSND protein (p.Ala246Val). This variant is present in population databases (no rsID available, gnomAD 0.007%). This variant has not been reported in the literature in individuals affected with BSND-related conditions. ClinVar contains an entry for this variant (Variation ID: 1416603). Algorithms developed to predict the effect of missense changes on protein structure and function are either unavailable or do not agree on the potential impact of this missense change (SIFT: "Deleterious"; PolyPhen-2: "Benign"; Align-GVGD: "Class C0"). In summary, the available evidence is currently insufficient to determine the role of this variant in disease. Therefore, it has been classified as a Variant of Uncertain Significance.

Fulgent Genetics
Classification: Uncertain significance for Bartter disease type 4A. Last evaluated: 2022-03-09. Review status: criteria provided, single submitter. Criteria: ACMG Guidelines, 2015. Collection method: clinical testing. Allele origin: unknown.